The following is an entry in ClinVar:

ClinVar aggregate classification (germline): Uncertain significance (1 of 4 stars; one submission).

Conditions:
X-linked lymphoproliferative disease due to XIAP deficiency. Also called: XIAP DEFICIENCY; XIAP-Related Lymphoproliferative Disease, X-Linked. Identifiers: Orphanet 2442, Orphanet 538934, MedGen C1845076, MONDO:0010385, OMIM 300635.

Allele frequency attached by ClinVar (database versions not stated): gnomAD exomes 0.00001 and 0.00002; TOPMed 0.00001; gnomAD 0.00002.
gnomAD v4.1: 19 of 1,210,066 alleles (0.0016%); highest among the groups gnomAD compares: Non-Finnish European, 0.0019%; no homozygotes.

Submission:

Labcorp Genetics (formerly Invitae), Labcorp
Classification: Uncertain significance for X-linked lymphoproliferative disease due to XIAP deficiency. Last evaluated: 2024-02-08. Review status: criteria provided, single submitter. Criteria: Invitae Variant Classification Sherloc (09022015). Collection method: clinical testing. Allele origin: germline.
Comment: This sequence change replaces arginine, which is basic and polar, with histidine, which is basic and polar, at codon 443 of the XIAP protein (p.Arg443His). This variant is present in population databases (no rsID available, gnomAD 0.04%). This missense change has been observed in individual(s) with clinical features of X-linked lymphoproliferative syndrome (PMID: 29665027, 31754776). ClinVar contains an entry for this variant (Variation ID: 1359779). Advanced modeling of protein sequence and biophysical properties (such as structural, functional, and spatial information, amino acid conservation, physicochemical variation, residue mobility, and thermodynamic stability) performed at Invitae indicates that this missense variant is not expected to disrupt XIAP protein function with a negative predictive value of 80%. In summary, the available evidence is currently insufficient to determine the role of this variant in disease. Therefore, it has been classified as a Variant of Uncertain Significance.

Literature cited by the submitters: PubMed 29665027; PubMed 31754776.

NM_001167.4(XIAP):c.1328G>A (p.Arg443His)

Gene: XIAP (X-linked inhibitor of apoptosis; plus strand). Cytogenetic location: Xq25.
Variant type: single nucleotide variant.
Coding change: c.1328G>A on transcript NM_001167.4 (MANE Select); coding-DNA position 1328, G replaced by A.
Protein change: p.Arg443His; replaces arginine 443 with histidine.
Molecular consequence: missense variant. On other transcripts: non-coding transcript variant (2).
Genome position (GRCh38, 1-based): chrX:123,907,015, G>A. VCF-style: chrX-123907015-G-A. GRCh37 (hg19) VCF-style: chrX-123040865-G-A.
Other names: c.1328G>A, p.Arg443His (NM_001204401.2, NM_001378590.1, NM_001378591.1 and 1 more transcripts); short protein forms R443H.
Identifiers: ClinVar variation 1359779 (VCV001359779.6), dbSNP rs1173411245, ClinGen allele CA414127930.